The following is an entry in ClinVar:

NM_001130823.3(DNMT1):c.2390C>T (p.Ala797Val)

Gene: DNMT1 (DNA methyltransferase 1; minus strand). Cytogenetic location: 19p13.2.
Variant type: single nucleotide variant.
Coding change: c.2390C>T on transcript NM_001130823.3 (MANE Select); coding-DNA position 2390, C replaced by T.
Protein change: p.Ala797Val; replaces alanine 797 with valine.
Molecular consequence: missense variant.
Genome position (GRCh38, 1-based): chr19:10,149,649, G>A on the plus strand (C>T on the coding strand, the complement: DNMT1 is on the minus strand). VCF-style: chr19-10149649-G-A. GRCh37 (hg19) VCF-style: chr19-10260325-G-A.
Other names: c.2342C>T, p.Ala781Val (NM_001318730.2, NM_001379.4); c.2027C>T, p.Ala676Val (NM_001318731.2); short protein forms A781V, A676V, A797V.
Identifiers: ClinVar variation 1976147 (VCV001976147.6), dbSNP rs757300501, ClinGen allele CA9188052.

ClinVar aggregate classification (germline): Uncertain significance. Review status: criteria provided, multiple submitters, no conflicts (2 of 4 stars). 2 submissions from 2 submitters: Uncertain significance (2). Last evaluated 2023-12-11.

Conditions:
Hereditary sensory neuropathy-deafness-dementia syndrome. Also called: NEUROPATHY, HEREDITARY SENSORY, WITH HEARING LOSS AND DEMENTIA; HSN IE; Hereditary sensory neuropathy type IE; Hereditary Sensory and Autonomic Neuropathy Type 1E (HSAN1E). Identifiers: Orphanet 456318, MedGen C3279885, MONDO:0013584, OMIM 614116.

Allele frequency attached by ClinVar (database versions not stated): TOPMed below 0.00001; gnomAD 0.00001.
gnomAD v4.1: 5 of 1,613,558 alleles (0.00031%); highest among the groups gnomAD compares: African/African-American, 0.0013%; no homozygotes.

Submissions (2):

Labcorp Genetics (formerly Invitae), Labcorp
Classification: Uncertain significance for Hereditary sensory neuropathy-deafness-dementia syndrome. Last evaluated: 2023-12-11. Review status: criteria provided, single submitter. Criteria: Invitae Variant Classification Sherloc (09022015). Collection method: clinical testing. Allele origin: germline.
Comment: This sequence change replaces alanine, which is neutral and non-polar, with valine, which is neutral and non-polar, at codon 797 of the DNMT1 protein (p.Ala797Val). This variant is present in population databases (rs757300501, gnomAD 0.007%). This variant has not been reported in the literature in individuals affected with DNMT1-related conditions. ClinVar contains an entry for this variant (Variation ID: 1976147). Advanced modeling of protein sequence and biophysical properties (such as structural, functional, and spatial information, amino acid conservation, physicochemical variation, residue mobility, and thermodynamic stability) performed at Invitae indicates that this missense variant is not expected to disrupt DNMT1 protein function with a negative predictive value of 80%. In summary, the available evidence is currently insufficient to determine the role of this variant in disease. Therefore, it has been classified as a Variant of Uncertain Significance.

GeneDx
Classification: Uncertain significance. Last evaluated: 2022-12-30. Review status: criteria provided, single submitter. Criteria: GeneDx Variant Classification Process June 2021. Collection method: clinical testing. Allele origin: germline. Affected: yes.
Comment: Not observed at significant frequency in large population cohorts (gnomAD); In silico analysis supports that this missense variant does not alter protein structure/function; Has not been previously published as pathogenic or benign to our knowledge